The following is an entry in ClinVar:

ClinVar aggregate classification (germline): Conflicting classifications of pathogenicity. Review status: criteria provided, conflicting classifications (1 of 4 stars). 3 submissions from 3 submitters: Uncertain significance (1); Likely benign (2). Last evaluated 2025-12-24.

Conditions:
Hereditary cancer-predisposing syndrome. Also called: Neoplastic Syndromes, Hereditary; Hereditary Cancer Syndrome; Hereditary neoplastic syndrome; Tumor predisposition. Identifiers: Orphanet 140162, MedGen C0027672, MeSH D009386, MONDO:0015356.

Allele frequency attached by ClinVar (database versions not stated): gnomAD exomes below 0.00001 and 0.00001.

Submissions (3):

Labcorp Genetics (formerly Invitae), Labcorp
Classification: Likely benign. Last evaluated: 2025-12-24. Review status: criteria provided, single submitter. Criteria: Invitae Variant Classification Sherloc (09022015). Collection method: clinical testing. Allele origin: germline.

GeneDx
Classification: Uncertain significance. Last evaluated: 2023-08-02. Review status: criteria provided, single submitter. Criteria: GeneDx Variant Classification Process June 2021. Collection method: clinical testing. Allele origin: germline. Affected: yes.
Comment: Not observed at significant frequency in large population cohorts (gnomAD); In silico analysis supports that this variant does not alter splicing; Has not been previously published as pathogenic or benign to our knowledge

Ambry Genetics
Classification: Likely benign for Hereditary cancer-predisposing syndrome. Last evaluated: 2021-05-13. Review status: criteria provided, single submitter. Criteria: Ambry Variant Classification Scheme 2023. Collection method: clinical testing. Allele origin: germline.

NM_006231.4(POLE):c.5340C>T (p.Ala1780=)

Gene: POLE (DNA polymerase epsilon, catalytic subunit; minus strand). Cytogenetic location: 12q24.33.
Variant type: single nucleotide variant.
Coding change: c.5340C>T on transcript NM_006231.4 (MANE Select); coding-DNA position 5340, C replaced by T.
Protein change: p.Ala1780=; no amino-acid change (alanine 1780 retained).
Molecular consequence: synonymous variant.
Genome position (GRCh38, 1-based): chr12:132,641,685, G>A on the plus strand (C>T on the coding strand, the complement: POLE is on the minus strand). VCF-style: chr12-132641685-G-A. GRCh37 (hg19) VCF-style: chr12-133218271-G-A.
Identifiers: ClinVar variation 540852 (VCV000540852.14), dbSNP rs1291600656, ClinGen allele CA482726997.